The following is an entry in ClinVar:

ClinVar aggregate classification (germline): Uncertain significance (1 of 4 stars; one submission).

Submission:

Labcorp Genetics (formerly Invitae), Labcorp
Classification: Uncertain significance. Last evaluated: 2022-10-17. Review status: criteria provided, single submitter. Criteria: Invitae Variant Classification Sherloc (09022015). Collection method: clinical testing. Allele origin: germline.
Comment: In summary, the available evidence is currently insufficient to determine the role of this variant in disease. Therefore, it has been classified as a Variant of Uncertain Significance. Algorithms developed to predict the effect of sequence changes on RNA splicing suggest that this variant may disrupt the consensus splice site. ClinVar contains an entry for this variant (Variation ID: 1436001). This variant has not been reported in the literature in individuals affected with ADGRV1-related conditions. This variant is not present in population databases (gnomAD no frequency). This sequence change falls in intron 32 of the ADGRV1 gene. It does not directly change the encoded amino acid sequence of the ADGRV1 protein.

NM_032119.4(ADGRV1):c.7134-19T>G

Gene: ADGRV1 (adhesion G protein-coupled receptor V1; plus strand). Cytogenetic location: 5q14.3.
Variant type: single nucleotide variant.
Coding change: c.7134-19T>G on transcript NM_032119.4 (MANE Select); 19 bases into the intron before coding-DNA position 7134, T replaced by G.
Molecular consequence: intron variant.
Genome position (GRCh38, 1-based): chr5:90,693,871, T>G. VCF-style: chr5-90693871-T-G. GRCh37 (hg19) VCF-style: chr5-89989688-T-G.
Identifiers: ClinVar variation 1436001 (VCV001436001.8), dbSNP rs2149638589, ClinGen allele CA2573140009.